The following is an entry in ClinVar:

ClinVar aggregate classification (germline): Likely benign. Review status: criteria provided, multiple submitters, no conflicts (2 of 4 stars). 2 submissions from 2 submitters: Likely benign (2). Last evaluated 2025-02-01.

Allele frequency attached by ClinVar (database versions not stated): ESP Exome Variant Server 0.00203; gnomAD 0.00234; TOPMed 0.00237; ExAC 0.00310; 1000 Genomes Project 30x 0.00390; 1000 Genomes Project 0.00459.

Submissions (2):

CeGaT Center for Human Genetics Tuebingen
Classification: Likely benign. Last evaluated: 2025-02-01. Review status: criteria provided, single submitter. Criteria: CeGaT Center For Human Genetics Tuebingen Variant Classification Criteria Version 2. Collection method: clinical testing. Allele origin: germline. Affected: yes. Observed: 4 variant alleles.
Comment: AGBL1: BP4, BS2

Blueprint Genetics
Classification: Likely benign. Last evaluated: 2024-11-18. Review status: criteria provided, single submitter. Criteria: ACMG Guidelines, 2015. Collection method: clinical testing. Allele origin: germline.

NM_001386094.1(AGBL1):c.235C>T (p.Arg79Trp)

Gene: AGBL1 (AGBL carboxypeptidase 1; plus strand). Cytogenetic location: 15q25.3.
Variant type: single nucleotide variant.
Coding change: c.235C>T on transcript NM_001386094.1 (MANE Select); coding-DNA position 235, C replaced by T.
Protein change: p.Arg79Trp; replaces arginine 79 with tryptophan.
Molecular consequence: missense variant.
Genome position (GRCh38, 1-based): chr15:86,143,818, C>T. VCF-style: chr15-86143818-C-T. GRCh37 (hg19) VCF-style: chr15-86687049-C-T.
Other names: c.235C>T, p.Arg79Trp (NM_152336.4); short protein forms R79W.
Identifiers: ClinVar variation 2645663 (VCV002645663.25), dbSNP rs186767486, ClinGen allele CA7715248.
Genomic context (GRCh38, chr15:86,143,818, plus strand): 5'-ACCCTGGTAGACACAGCGAGGACAGCTCCTCCAGACTATGACATCCTCCTGCCTCTCTTC[C>T]GGCTGCTGGCCAAAGTTGGCCTAAGAGGTACTCGTACTCCAAGACCTAAAGCTGACTGAA-3'
Protein context (NP_001373023.1, residues 69-89): PDYDILLPLF[Arg79Trp]LLAKVGLRDK